The following is an entry in ClinVar:

NM_000059.4(BRCA2):c.464G>A (p.Arg155Lys)

Gene: BRCA2 (BRCA2 DNA repair associated; plus strand). Cytogenetic location: 13q13.1.
Variant type: single nucleotide variant.
Coding change: c.464G>A on transcript NM_000059.4 (MANE Select); coding-DNA position 464, G replaced by A.
Protein change: p.Arg155Lys; replaces arginine 155 with lysine.
Molecular consequence: missense variant.
Genome position (GRCh38, 1-based): chr13:32,326,139, G>A. VCF-style: chr13-32326139-G-A. GRCh37 (hg19) VCF-style: chr13-32900276-G-A.
Other names: short protein forms R155K.
Identifiers: ClinVar variation 253032 (VCV000253032.19), dbSNP rs377639990, ClinGen allele CA10586163.

ClinVar aggregate classification (germline): Conflicting classifications of pathogenicity. Review status: criteria provided, conflicting classifications (1 of 4 stars). 5 submissions from 5 submitters: Uncertain significance (4); Likely benign (1). Last evaluated 2025-03-11.

Conditions:
Hereditary cancer-predisposing syndrome. Also called: Tumor predisposition; Hereditary Cancer Syndrome; Neoplastic Syndromes, Hereditary; Hereditary neoplastic syndrome. Identifiers: Orphanet 140162, MedGen C0027672, MeSH D009386, MONDO:0015356.
Hereditary breast ovarian cancer syndrome. Also called: Hereditary breast and ovarian cancer; Breast and ovarian cancer; Hereditary breast and/or ovarian cancer syndrome; BRCA1- and BRCA2-Associated Hereditary Breast and Ovarian Cancer; Hereditary breast and ovarian cancer syndrome; Hereditary breast and ovarian cancer syndrome (HBOC). Identifiers: Orphanet 145, MedGen C0677776, MeSH D061325, MONDO:0003582. Disease mechanism: loss of function.
Breast-ovarian cancer, familial, susceptibility to, 2 (BROVCA2). Also called: BRCA2 Hereditary Breast and Ovarian Cancer. Identifiers: Orphanet 145, MedGen C2675520, MONDO:0012933, OMIM 612555. Disease mechanism: loss of function.
Familial cancer of breast. Also called: BREAST CANCER, FAMILIAL; Hereditary breast cancer; hereditary breast carcinoma. Identifiers: Orphanet 227535, MedGen C0346153, MONDO:0016419, OMIM 114480. Disease mechanism: loss of function.

Submissions (5):

Labcorp Genetics (formerly Invitae), Labcorp
Classification: Uncertain significance for Hereditary breast ovarian cancer syndrome. Last evaluated: 2025-03-11. Review status: criteria provided, single submitter. Criteria: Invitae Variant Classification Sherloc (09022015). Collection method: clinical testing. Allele origin: germline.
Comment: This sequence change replaces arginine, which is basic and polar, with lysine, which is basic and polar, at codon 155 of the BRCA2 protein (p.Arg155Lys). This variant is not present in population databases (gnomAD no frequency). This missense change has been observed in individual(s) with breast, ovarian, or unspecified cancer (PMID: 28944232, 32522261). ClinVar contains an entry for this variant (Variation ID: 253032). Invitae Evidence Modeling of protein sequence and biophysical properties (such as structural, functional, and spatial information, amino acid conservation, physicochemical variation, residue mobility, and thermodynamic stability) indicates that this missense variant is not expected to disrupt BRCA2 protein function with a negative predictive value of 95%. In summary, the available evidence is currently insufficient to determine the role of this variant in disease. Therefore, it has been classified as a Variant of Uncertain Significance.

Baylor Genetics
Classification: Uncertain significance for Familial cancer of breast. Last evaluated: 2024-03-18. Review status: criteria provided, single submitter. Criteria: ACMG Guidelines, 2015. Collection method: clinical testing. Allele origin: unknown.

MGZ Medical Genetics Center
Classification: Likely benign for Familial cancer of breast. Last evaluated: 2024-02-09. Review status: criteria provided, single submitter. Criteria: CSpec BRCA1/2ACMG Rules Specifications V1.1.0. Collection method: clinical testing. Allele origin: germline. Affected: yes.
Comment: ACMG codes applied following ENIGMA VCEP rules: BP1_STR, PM2_SUP

Ambry Genetics
Classification: Uncertain significance for Hereditary cancer-predisposing syndrome. Last evaluated: 2021-02-08. Review status: criteria provided, single submitter. Criteria: Ambry Variant Classification Scheme 2023. Collection method: clinical testing. Allele origin: germline.
Comment: The p.R155K variant (also known as c.464G>A), located in coding exon 4 of the BRCA2 gene, results from a G to A substitution at nucleotide position 464. The arginine at codon 155 is replaced by lysine, an amino acid with highly similar properties. This amino acid position is well conserved in available vertebrate species. In addition, this alteration is predicted to be tolerated by in silico analysis. Since supporting evidence is limited at this time, the clinical significance of this alteration remains unclear.

Centro de Genética y Biología Molecular, Universidad de San Martín de Porres
Classification: Uncertain significance for Breast-ovarian cancer, familial, susceptibility to, 2. Last evaluated: 2016-06-06. Review status: criteria provided, single submitter. Criteria: Population-based study. Collection method: clinical testing. Allele origin: germline. Inheritance: Autosomal dominant inheritance. Affected: yes. Observed: 1 variant allele, 1 compound heterozygote. Study: Mutational analysis of BRCA1 and BRCA2 genes in peruvian families with hereditary breast and ovarian cancer.
Comment: No present in population-based study (100 controls)

Literature cited by the submitters: PubMed 28944232 (cited by Labcorp Genetics (formerly Invitae), Labcorp); PubMed 32522261 (cited by Labcorp Genetics (formerly Invitae), Labcorp).